The following is an entry in ClinVar:

ClinVar aggregate classification (germline): Uncertain significance. Review status: criteria provided, multiple submitters, no conflicts (2 of 4 stars). 2 submissions from 2 submitters: Uncertain significance (2). Last evaluated 2024-12-19.

Allele frequency attached by ClinVar (database versions not stated): ExAC 0.00001; gnomAD 0.00001; TOPMed 0.00002.
gnomAD v4.1: 2 of 1,613,064 alleles (0.00012%); highest among the groups gnomAD compares: African/African-American, 0.0027%; no homozygotes.

Submissions (2):

Ambry Genetics
Classification: Uncertain significance. Last evaluated: 2024-12-19. Review status: criteria provided, single submitter. Criteria: Ambry Variant Classification Scheme 2023. Collection method: clinical testing. Allele origin: germline.
Comment: The p.T174R variant (also known as c.521C>G), located in coding exon 3 of the GEN1 gene, results from a C to G substitution at nucleotide position 521. The threonine at codon 174 is replaced by arginine, an amino acid with similar properties. This amino acid position is conserved. In addition, this alteration is predicted to be tolerated by in silico analysis. Based on the available evidence, the clinical significance of this variant remains unclear.

Labcorp Genetics (formerly Invitae), Labcorp
Classification: Uncertain significance. Last evaluated: 2022-12-03. Review status: criteria provided, single submitter. Criteria: Invitae Variant Classification Sherloc (09022015). Collection method: clinical testing. Allele origin: germline.
Comment: This variant has not been reported in the literature in individuals affected with GEN1-related conditions. In summary, the available evidence is currently insufficient to determine the role of this variant in disease. Therefore, it has been classified as a Variant of Uncertain Significance. Algorithms developed to predict the effect of missense changes on protein structure and function are either unavailable or do not agree on the potential impact of this missense change (SIFT: "Deleterious"; PolyPhen-2: "Possibly Damaging"; Align-GVGD: "Class C0"). This variant is present in population databases (rs761577393, gnomAD 0.007%). This sequence change replaces threonine, which is neutral and polar, with arginine, which is basic and polar, at codon 174 of the GEN1 protein (p.Thr174Arg).

NM_001130009.3(GEN1):c.521C>G (p.Thr174Arg)

Gene: GEN1 (GEN1 structure-specific endonuclease; plus strand). Cytogenetic location: 2p24.2.
Variant type: single nucleotide variant.
Coding change: c.521C>G on transcript NM_001130009.3 (MANE Select); coding-DNA position 521, C replaced by G.
Protein change: p.Thr174Arg; replaces threonine 174 with arginine.
Molecular consequence: missense variant.
Genome position (GRCh38, 1-based): chr2:17,765,069, C>G. VCF-style: chr2-17765069-C-G. GRCh37 (hg19) VCF-style: chr2-17946336-C-G.
Other names: c.521C>G (NM_001130009.1); c.521C>G, p.Thr174Arg (NM_182625.5); short protein forms T174R.
Identifiers: ClinVar variation 2868145 (VCV002868145.5), dbSNP rs761577393, ClinGen allele CA1540441.
Genomic context (GRCh38, chr2:17,765,069, plus strand): 5'-ATGATGGAGATACTTTCCTTTATGGGGCCCAGACTGTTTACAGGAATTTCACTATGAATA[C>G]AAAGGTGTTTATTTTCTTTCTCTTTTTCAGCATTTGTTTACGAACTACCTTTTTTAAAGG-3'
Protein context (NP_001123481.3, residues 164-184): QTVYRNFTMN[Thr174Arg]KDPHVDCYTM